The following is an entry in ClinVar:

NM_000023.4(SGCA):c.304G>T (p.Val102Phe)

Gene: SGCA (sarcoglycan alpha; plus strand). Cytogenetic location: 17q21.33.
Variant type: single nucleotide variant.
Coding change: c.304G>T on transcript NM_000023.4 (MANE Select); coding-DNA position 304, G replaced by T.
Protein change: p.Val102Phe; replaces valine 102 with phenylalanine.
Molecular consequence: missense variant. On other transcripts: non-coding transcript variant (1).
Genome position (GRCh38, 1-based): chr17:50,167,728, G>T. VCF-style: chr17-50167728-G-T. GRCh37 (hg19) VCF-style: chr17-48245089-G-T.
Other names: c.304G>T, p.Val102Phe (NM_001135697.3); short protein forms V102F.
Identifiers: ClinVar variation 2435891 (VCV002435891.6), dbSNP rs1266940329, ClinGen allele CA400177974.

ClinVar aggregate classification (germline): Conflicting classifications of pathogenicity. Review status: criteria provided, conflicting classifications (1 of 4 stars). 3 submissions from 3 submitters: Likely pathogenic (1); Uncertain significance (2). Last evaluated 2026-03-30.

Conditions:
Autosomal recessive limb-girdle muscular dystrophy type 2D (LGMDR3). Also called: ADHALINOPATHY, PRIMARY; DUCHENNE-LIKE AUTOSOMAL RECESSIVE MUSCULAR DYSTROPHY, TYPE 2; MUSCULAR DYSTROPHY, LIMB-GIRDLE, AUTOSOMAL RECESSIVE 3. Identifiers: Orphanet 62, MedGen C2936332, MONDO:0011968, OMIM 608099. Disease mechanism: Affects gamma-sarcoglycan and also disrupts the integrity of the entire sarcoglycan complex..

Submissions (3):

Myriad Genetics, Inc.
Classification: Uncertain significance for Autosomal recessive limb-girdle muscular dystrophy type 2D. Last evaluated: 2026-03-30. Review status: criteria provided, single submitter. Criteria: Myriad Autosomal Dominant, Autosomal Recessive and X-Linked Classification Criteria (2023). Collection method: clinical testing. Allele origin: unknown.
Comment: NM_000023.2(SGCA):c.304G>T(V102F) is a missense variant classified as a variant of uncertain significance in the context of alpha-sarcoglycanopathy. V102F has been observed in cases with relevant disease (PMID: 37688281, 36575883). Relevant functional assessments of this variant are not available in the literature. V102F has not been observed in referenced population frequency databases. In summary, there is insufficient evidence to classify NM_000023.2(SGCA):c.304G>T(V102F) as pathogenic or benign. Please note: this variant was assessed in the context of healthy population screening.

Labcorp Genetics (formerly Invitae), Labcorp
Classification: Likely pathogenic for Autosomal recessive limb-girdle muscular dystrophy type 2D. Last evaluated: 2024-05-13. Review status: criteria provided, single submitter. Criteria: Invitae Variant Classification Sherloc (09022015). Collection method: clinical testing. Allele origin: germline.
Comment: This sequence change replaces valine, which is neutral and non-polar, with phenylalanine, which is neutral and non-polar, at codon 102 of the SGCA protein (p.Val102Phe). This variant is not present in population databases (gnomAD no frequency). This missense change has been observed in individual(s) with clinical features of limb-girdle muscular dystrophy (Invitae). In at least one individual the data is consistent with being in trans (on the opposite chromosome) from a pathogenic variant. ClinVar contains an entry for this variant (Variation ID: 2435891). Advanced modeling of protein sequence and biophysical properties (such as structural, functional, and spatial information, amino acid conservation, physicochemical variation, residue mobility, and thermodynamic stability) performed at Invitae indicates that this missense variant is expected to disrupt SGCA protein function with a positive predictive value of 95%. In summary, the currently available evidence indicates that the variant is pathogenic, but additional data are needed to prove that conclusively. Therefore, this variant has been classified as Likely Pathogenic.

Revvity Omics, Revvity
Classification: Uncertain significance for Autosomal recessive limb-girdle muscular dystrophy type 2D. Last evaluated: 2019-01-11. Review status: criteria provided, single submitter. Criteria: ACMG Guidelines, 2015. Collection method: clinical testing. Allele origin: germline.

Literature cited by the submitters: PubMed 36575883 (cited by Myriad Genetics, Inc.); PubMed 37688281 (cited by Myriad Genetics, Inc.).